The following is an entry in ClinVar:

ClinVar aggregate classification (germline): Uncertain significance. Review status: criteria provided, single submitter (1 of 4 stars). 2 submissions from 2 submitters: Uncertain significance (1). 1 of the submissions does not count toward it. Last evaluated 2024-01-23.

Conditions:
Inborn genetic diseases. Identifiers: MedGen C0950123, MeSH D030342.
TANC2-related disorder. Also called: TANC2-related condition.

Allele frequency attached by ClinVar (database versions not stated): gnomAD 0.00002; TOPMed 0.00002.
gnomAD v4.1: 3 of 1,613,814 alleles (0.00019%); highest among the groups gnomAD compares: African/African-American, 0.004%; no homozygotes.

Submissions (2):

Ambry Genetics
Classification: Uncertain significance for Inborn genetic diseases. Last evaluated: 2024-01-23. Review status: criteria provided, single submitter. Criteria: Ambry Variant Classification Scheme 2023. Collection method: clinical testing. Allele origin: germline.

PreventionGenetics, part of Exact Sciences
Classification: Uncertain significance for TANC2-related condition. Last evaluated: 2024-02-02. Review status: no assertion criteria provided. Collection method: clinical testing. Allele origin: germline. Not counted in ClinVar's aggregate classification.
Comment: The TANC2 c.1058C>T variant is predicted to result in the amino acid substitution p.Ala353Val. To our knowledge, this variant has not been reported in the literature or in a large population database, indicating this variant is rare. At this time, the clinical significance of this variant is uncertain due to the absence of conclusive functional and genetic evidence.

NM_001394998.1(TANC2):c.1280C>T (p.Ala427Val)

Gene: TANC2 (tetratricopeptide repeat, ankyrin repeat and coiled-coil containing 2; plus strand). Cytogenetic location: 17q23.3.
Variant type: single nucleotide variant.
Coding change: c.1280C>T on transcript NM_001394998.1 (MANE Select); coding-DNA position 1280, C replaced by T.
Protein change: p.Ala427Val; replaces alanine 427 with valine.
Molecular consequence: missense variant.
Genome position (GRCh38, 1-based): chr17:63,314,508, C>T. VCF-style: chr17-63314508-C-T. GRCh37 (hg19) VCF-style: chr17-61391869-C-T.
Other names: c.1058C>T, p.Ala353Val (NM_001411076.1, NM_025185.4); short protein forms A353V, A427V.
Identifiers: ClinVar variation 3029028 (VCV003029028.3), dbSNP rs1397456251, ClinGen allele CA400794571.